The following is an entry in ClinVar:

ClinVar aggregate classification (germline): Uncertain significance (1 of 4 stars; one submission).

Conditions:
Bethlem myopathy 1A. Also called: MYOPATHY, BENIGN CONGENITAL, WITH CONTRACTURES; Bethlem myopathy 1; Bethlem Muscular Dystrophy. Identifiers: Orphanet 610, MedGen CN029274, MONDO:0024530, OMIM 158810.

gnomAD v4.1: 2 of 1,614,224 alleles (0.00012%); highest among the groups gnomAD compares: Non-Finnish European, 0.000085%; no homozygotes.

Submission:

Labcorp Genetics (formerly Invitae), Labcorp
Classification: Uncertain significance for Bethlem myopathy 1A. Last evaluated: 2024-06-03. Review status: criteria provided, single submitter. Criteria: Invitae Variant Classification Sherloc (09022015). Collection method: clinical testing. Allele origin: germline.
Comment: This sequence change replaces valine, which is neutral and non-polar, with methionine, which is neutral and non-polar, at codon 1562 of the COL6A3 protein (p.Val1562Met). This variant is not present in population databases (gnomAD no frequency). This variant has not been reported in the literature in individuals affected with COL6A3-related conditions. Advanced modeling of protein sequence and biophysical properties (such as structural, functional, and spatial information, amino acid conservation, physicochemical variation, residue mobility, and thermodynamic stability) performed at Invitae indicates that this missense variant is not expected to disrupt COL6A3 protein function with a negative predictive value of 80%. In summary, the available evidence is currently insufficient to determine the role of this variant in disease. Therefore, it has been classified as a Variant of Uncertain Significance.

NM_004369.4(COL6A3):c.4684G>A (p.Val1562Met)

Gene: COL6A3 (collagen type VI alpha 3 chain; minus strand). Cytogenetic location: 2q37.3.
Variant type: single nucleotide variant.
Coding change: c.4684G>A on transcript NM_004369.4 (MANE Select); coding-DNA position 4684, G replaced by A.
Protein change: p.Val1562Met; replaces valine 1562 with methionine.
Molecular consequence: missense variant.
Genome position (GRCh38, 1-based): chr2:237,368,779, C>T on the plus strand (G>A on the coding strand, the complement: COL6A3 is on the minus strand). VCF-style: chr2-237368779-C-T. GRCh37 (hg19) VCF-style: chr2-238277422-C-T.
Other names: c.2863G>A, p.Val955Met (NM_057166.5); c.4066G>A, p.Val1356Met (NM_057167.4); short protein forms V1356M, V1562M, V955M.
Identifiers: ClinVar variation 3670654 (VCV003670654.2).
Genomic context (GRCh38, chr2:237,368,779, plus strand): 5'-CTGTTCTGTCGATGTTCCGGTCTCCTACCCCTAAACTCACAATGCCCGAGGAACGGATCA[C>T]CTGGGCGAACCTGGACACATCGTCCTGGGATTTTCCACCCAGGACCAGGACCAGGTGTTG-3'
Protein context (NP_004360.2, residues 1552-1572): SQDDVSRFAQ[Val1562Met]IRSSGIVSLG